The following is an entry in ClinVar:

NM_001267550.2(TTN):c.106511G>T (p.Ser35504Ile)

Genes: TTN-AS1 (TTN antisense RNA 1; plus strand), TTN (titin; minus strand). Cytogenetic location: 2q31.2.
Variant type: single nucleotide variant.
Coding change: c.106511G>T on transcript NM_001267550.2 (MANE Select); coding-DNA position 106511, G replaced by T.
Protein change: p.Ser35504Ile; replaces serine 35504 with isoleucine.
Molecular consequence: missense variant.
Genome position (GRCh38, 1-based): chr2:178,529,980, C>A on the plus strand (G>T on the coding strand, the complement: TTN is on the minus strand). VCF-style: chr2-178529980-C-A. GRCh37 (hg19) VCF-style: chr2-179394707-C-A.
Other names: c.101588G>T, p.Ser33863Ile (NM_001256850.1); c.79316G>T, p.Ser26439Ile (NM_003319.4); c.98807G>T, p.Ser32936Ile (NM_133378.4); c.79691G>T, p.Ser26564Ile (NM_133432.3); c.79892G>T, p.Ser26631Ile (NM_133437.4); short protein forms S26439I, S26564I, S26631I, S32936I, S33863I, S35504I.
Identifiers: ClinVar variation 2943317 (VCV002943317.3), dbSNP rs575070622, ClinGen allele CA349405016.

ClinVar aggregate classification (germline): Uncertain significance (1 of 4 stars; one submission).

Conditions:
Dilated cardiomyopathy 1G (CMD1G). Identifiers: Orphanet 154, MedGen C1858763, MONDO:0011400, OMIM 604145.
Autosomal recessive limb-girdle muscular dystrophy type 2J (LGMDR10). Also called: MUSCULAR DYSTROPHY, LIMB-GIRDLE, AUTOSOMAL RECESSIVE 10; Limb-girdle muscular dystrophy, type 2J. Identifiers: Orphanet 140922, MedGen C1837342, MONDO:0012127, OMIM 608807.

gnomAD v4.1: 1 of 1,599,012 alleles (0.000063%); highest among the groups gnomAD compares: Non-Finnish European, 0.000085%; no homozygotes.

Submission:

Labcorp Genetics (formerly Invitae), Labcorp
Classification: Uncertain significance for Dilated cardiomyopathy 1G; Autosomal recessive limb-girdle muscular dystrophy type 2J. Last evaluated: 2023-01-20. Review status: criteria provided, single submitter. Criteria: Invitae Variant Classification Sherloc (09022015). Collection method: clinical testing. Allele origin: germline.
Comment: In summary, the available evidence is currently insufficient to determine the role of this variant in disease. Therefore, it has been classified as a Variant of Uncertain Significance. This variant is located in the M band of TTN (PMID: 25589632). Variants in this region may be relevant for neuromuscular disorders, but have not been definitively shown to cause cardiomyopathy (PMID: 23975875). Experimental studies and prediction algorithms are not available or were not evaluated, and the functional significance of this variant is currently unknown. This variant has not been reported in the literature in individuals affected with TTN-related conditions. This variant is not present in population databases (gnomAD no frequency). This sequence change replaces serine, which is neutral and polar, with isoleucine, which is neutral and non-polar, at codon 35504 of the TTN protein (p.Ser35504Ile).

Literature cited by the submitters: PubMed 25589632; PubMed 23975875.